The following is an entry in ClinVar:

NM_001987.5(ETV6):c.1075C>T (p.Arg359Ter)

Genes: ETV6 (ETS variant transcription factor 6; plus strand), LOC126861452 (CDK7 strongly-dependent group 2 enhancer GRCh37_chr12:12037195-12038394; plus strand). Cytogenetic location: 12p13.2.
Variant type: single nucleotide variant.
Coding change: c.1075C>T on transcript NM_001987.5 (MANE Select); coding-DNA position 1075, C replaced by T.
Protein change: p.Arg359Ter; replaces arginine 359 with a stop codon.
Molecular consequence: nonsense. On other transcripts: intron variant (1).
Genome position (GRCh38, 1-based): chr12:11,884,510, C>T. VCF-style: chr12-11884510-C-T. GRCh37 (hg19) VCF-style: chr12-12037444-C-T.
Other names: c.1072C>T, p.Arg358Ter (NM_001413913.1); c.1048C>T, p.Arg350Ter (NM_001413914.1); c.811C>T, p.Arg271Ter (NM_001413915.1); c.1010-6431C>T (NM_001413917.1); short protein forms R359*, R358*, R271*, R350*.
Identifiers: ClinVar variation 2735806 (VCV002735806.6), dbSNP rs141938078, ClinGen allele CA384044610.

ClinVar aggregate classification (germline): Pathogenic. Review status: criteria provided, multiple submitters, no conflicts (2 of 4 stars). 3 submissions from 3 submitters: Pathogenic (3). Last evaluated 2025-02-27.
ClinVar aggregate classification (oncogenicity): Likely oncogenic (1 of 4 stars; one submission).

Conditions:
Inborn genetic diseases. Identifiers: MedGen C0950123, MeSH D030342.
Acute myeloid leukemia (AML). Also called: Acute myeloid leukemia, adult; AML adult; Acute non-lymphocytic leukemia; Acute granulocytic leukemia; Leukemia, acute myeloid, somatic; Leukemia, acute myelogenous, somatic. Identifiers: Orphanet 519, MedGen C0023467, MeSH D015470, MONDO:0018874, OMIM 601626, HP:0004808. Disease mechanism: Constitutively activated FLT3.

gnomAD v4.1: 2 of 1,614,160 alleles (0.00012%); highest among the groups gnomAD compares: East Asian, 0.0022%; no homozygotes.

Submissions (4):

Center for Virology of Infectious and Tropical Diseases (CVMIT), Mohammed V Military Teaching Hospital
Classification: Likely oncogenic for Acute myeloid leukemia. Last evaluated: 2026-10-16. Review status: criteria provided, single submitter. Criteria: ClinGen/CGC/VICC Guidelines for Oncogenicity, 2022. Collection method: research. Allele origin: somatic. Affected: yes. Observed: 1 variant allele.
Comment: ETV6 p.Arg359Ter. Oncogenicity classified with the ClinGen/CGC/VICC SOP (Horak et al. 2022, PMID:35101336). Criteria applied: OVS1: nonsense variant truncating ETV6 within the ETS DNA-binding domain; ETV6 is a bona fide tumour suppressor in myeloid neoplasms (PMID:21714648, PMID:25581430). Total 8 points (Likely oncogenic). ClinVar at analysis (release 2022-07-09, used by Ion Reporter): not present. Current record: ClinVar VCV002735806.5 (consulted 2026-10-29): germline classification Pathogenic.

Ambry Genetics
Classification: Pathogenic for Inborn genetic diseases. Last evaluated: 2025-02-27. Review status: criteria provided, single submitter. Criteria: Ambry Variant Classification Scheme 2023. Collection method: clinical testing. Allele origin: germline.
Comment: The p.R359* pathogenic mutation (also known as c.1075C>T), located in coding exon 6 of the ETV6 gene, results from a C to T substitution at nucleotide position 1075. This changes the amino acid from an arginine to a stop codon within coding exon 6. This variant is considered to be rare based on population cohorts in the Genome Aggregation Database (gnomAD). This alteration is expected to result in loss of function by premature protein truncation or nonsense-mediated mRNA decay. As such, this alteration is interpreted as a disease-causing mutation.

Labcorp Genetics (formerly Invitae), Labcorp
Classification: Pathogenic. Last evaluated: 2024-01-16. Review status: criteria provided, single submitter. Criteria: Invitae Variant Classification Sherloc (09022015). Collection method: clinical testing. Allele origin: germline.
Comment: This sequence change creates a premature translational stop signal (p.Arg359*) in the ETV6 gene. It is expected to result in an absent or disrupted protein product. Loss-of-function variants in ETV6 are known to be pathogenic (PMID: 26102509, 27365488, 29034503). This variant is not present in population databases (gnomAD no frequency). This premature translational stop signal has been observed in individual(s) with ETV6-related conditions (PMID: 26522332). For these reasons, this variant has been classified as Pathogenic.

GeneDx
Classification: Pathogenic. Last evaluated: 2024-01-08. Review status: criteria provided, single submitter. Criteria: GeneDx Variant Classification Process June 2021. Collection method: clinical testing. Allele origin: germline. Affected: yes.
Comment: Nonsense variant predicted to result in protein truncation or nonsense mediated decay in a gene for which loss of function is a known mechanism of disease; Published functional studies support a damaging effect: in vitro studies demonstrate loss of function and results in inability to repress transcription (PMID: 32693409); Not observed at significant frequency in large population cohorts (gnomAD); This variant is associated with the following publications: (PMID: 28637624, 28555414, 29034503, 22343534, 26522332, 34308104, 37144345, 31519648, 38137719, 31439692, 34641967, 32693409)

Literature cited by the submitters: PubMed 21714648 (cited by Center for Virology of Infectious and Tropical Diseases (CVMIT), Mohammed V Military Teaching Hospital); PubMed 25581430 (cited by Center for Virology of Infectious and Tropical Diseases (CVMIT), Mohammed V Military Teaching Hospital); PubMed 26102509 (cited by Labcorp Genetics (formerly Invitae), Labcorp); PubMed 27365488 (cited by Labcorp Genetics (formerly Invitae), Labcorp); PubMed 29034503 (cited by Labcorp Genetics (formerly Invitae), Labcorp); PubMed 26522332 (cited by Labcorp Genetics (formerly Invitae), Labcorp).